The following is an entry in ClinVar:

ClinVar aggregate classification (germline): Uncertain significance. Review status: criteria provided, multiple submitters, no conflicts (2 of 4 stars). 2 submissions from 2 submitters: Uncertain significance (2). Last evaluated 2025-04-14.

Conditions:
Neuroblastoma, susceptibility to, 3. Also called: ALK-Related Neuroblastic Tumor Susceptibility. Identifiers: Orphanet 635, MedGen C2751681, MONDO:0013083, OMIM 613014.
Hereditary cancer-predisposing syndrome. Also called: Neoplastic Syndromes, Hereditary; Hereditary neoplastic syndrome; Hereditary Cancer Syndrome; Tumor predisposition. Identifiers: Orphanet 140162, MedGen C0027672, MeSH D009386, MONDO:0015356.

Submissions (2):

Ambry Genetics
Classification: Uncertain significance for Hereditary cancer-predisposing syndrome. Last evaluated: 2025-04-14. Review status: criteria provided, single submitter. Criteria: Ambry Variant Classification Scheme 2023. Collection method: clinical testing. Allele origin: germline.
Comment: The c.3445_3450+13dup19 variant results from a duplication of 19 nucleotides at positions c.3445 to c.3450+13 and involves the canonical donor site after coding exon 21 in the ALK gene. The canonical donor site is well conserved in available vertebrate species. In silico splice site analysis predicts that this alteration will result in the creation or strengthening of a novel splice donor site. Alterations that disrupt the canonical splice site are expected to cause aberrant splicing, resulting in an abnormal protein or a transcript that is subject to nonsense-mediated mRNA decay. However, loss of function of ALK has not been established as a mechanism of disease. Based on the available evidence, the clinical significance of this variant remains unclear.

Labcorp Genetics (formerly Invitae), Labcorp
Classification: Uncertain significance for Neuroblastoma, susceptibility to, 3. Last evaluated: 2023-09-27. Review status: criteria provided, single submitter. Criteria: Invitae Variant Classification Sherloc (09022015). Collection method: clinical testing. Allele origin: germline.
Comment: This variant has not been reported in the literature in individuals affected with ALK-related conditions. ClinVar contains an entry for this variant (Variation ID: 2148598). In summary, the available evidence is currently insufficient to determine the role of this variant in disease. Therefore, it has been classified as a Variant of Uncertain Significance. This variant is not present in population databases (gnomAD no frequency). This sequence change falls in intron 21 of the ALK gene. It does not directly change the encoded amino acid sequence of the ALK protein.

NM_004304.5(ALK):c.3445_3450+13dup

Gene: ALK (ALK receptor tyrosine kinase; minus strand). Cytogenetic location: 2p23.2.
Variant type: Duplication.
Coding change: c.3445_3450+13dup on transcript NM_004304.5 (MANE Select); coding-DNA position 3445 through 13 bases into the intron after coding-DNA position 3450, 19 bases duplicated (GTGAAGGTAAGAAGTGGCT).
Molecular consequence: splice donor variant.
Genome position (GRCh38, 1-based): chr2:29,222,504-29,222,522, AGCCACTTCTTACCTTCAC duplicated on the plus strand (GTGAAGGTAAGAAGTGGCT on the coding strand, the reverse complement: ALK is on the minus strand); duplicating any 19 consecutive bases within chr2:29,222,504-29,222,530 gives the same sequence; the c. name uses the placement nearest the transcript's 3' end. VCF-style (leftmost placement, unchanged base first): chr2-29222503-G-GAGCCACTTCTTACCTTCAC. GRCh37 (hg19) VCF-style: chr2-29445369-G-GAGCCACTTCTTACCTTCAC.
Other names: c.241_246+13dup (NM_001353765.2); c.3445_3450+13dupGTGAAGGTAAGAAGTGGCT (NM_004304.4).
Identifiers: ClinVar variation 2148598 (VCV002148598.5), dbSNP rs2465952185, ClinGen allele CA2580066309.